The following is an entry in ClinVar:

ClinVar aggregate classification (germline): Uncertain significance (1 of 4 stars; one submission).

Submission:

Labcorp Genetics (formerly Invitae), Labcorp
Classification: Uncertain significance. Last evaluated: 2024-02-17. Review status: criteria provided, single submitter. Criteria: Invitae Variant Classification Sherloc (09022015). Collection method: clinical testing. Allele origin: germline.
Comment: This sequence change replaces glutamine, which is neutral and polar, with histidine, which is basic and polar, at codon 490 of the DEAF1 protein (p.Gln490His). This variant is not present in population databases (gnomAD no frequency). This variant has not been reported in the literature in individuals affected with DEAF1-related conditions. ClinVar contains an entry for this variant (Variation ID: 1370008). Algorithms developed to predict the effect of missense changes on protein structure and function output the following: SIFT: "Not Available"; PolyPhen-2: "Benign"; Align-GVGD: "Not Available". The histidine amino acid residue is found in multiple mammalian species, which suggests that this missense change does not adversely affect protein function. In summary, the available evidence is currently insufficient to determine the role of this variant in disease. Therefore, it has been classified as a Variant of Uncertain Significance.

NM_021008.4(DEAF1):c.1470G>T (p.Gln490His)

Genes: DEAF1 (DEAF1 transcription factor; minus strand), LOC126861109 (BRD4-independent group 4 enhancer GRCh37_chr11:673917-675116; plus strand). Cytogenetic location: 11p15.5.
Variant type: single nucleotide variant.
Coding change: c.1470G>T on transcript NM_021008.4 (MANE Select); coding-DNA position 1470, G replaced by T.
Protein change: p.Gln490His; replaces glutamine 490 with histidine.
Molecular consequence: missense variant.
Genome position (GRCh38, 1-based): chr11:674,569, C>A on the plus strand (G>T on the coding strand, the complement: DEAF1 is on the minus strand). VCF-style: chr11-674569-C-A. GRCh37 (hg19) VCF-style: chr11-674569-C-A.
Other names: c.1203G>T, p.Gln401His (NM_001293634.2); c.744G>T, p.Gln248His (NM_001367390.1); short protein forms Q248H, Q401H, Q490H.
Identifiers: ClinVar variation 1370008 (VCV001370008.6), dbSNP rs897598221, ClinGen allele CA216901012.